The following is an entry in ClinVar:

ClinVar aggregate classification (germline): Uncertain significance. Review status: criteria provided, multiple submitters, no conflicts (2 of 4 stars). 2 submissions from 2 submitters: Uncertain significance (2). Last evaluated 2024-11-27.

gnomAD v4.1: 44 of 1,551,808 alleles (0.0028%); highest among the groups gnomAD compares: African/African-American, 0.056%; no homozygotes.

Submissions (2):

Ambry Genetics
Classification: Uncertain significance. Last evaluated: 2024-11-27. Review status: criteria provided, single submitter. Criteria: Ambry Variant Classification Scheme 2023. Collection method: clinical testing. Allele origin: germline.

Labcorp Genetics (formerly Invitae), Labcorp
Classification: Uncertain significance. Last evaluated: 2024-07-24. Review status: criteria provided, single submitter. Criteria: Invitae Variant Classification Sherloc (09022015). Collection method: clinical testing. Allele origin: germline.
Comment: This sequence change replaces aspartic acid, which is acidic and polar, with glycine, which is neutral and non-polar, at codon 1052 of the FAM65B protein (p.Asp1052Gly). This variant is present in population databases (rs368088673, gnomAD 0.06%). This variant has not been reported in the literature in individuals affected with FAM65B-related conditions. An algorithm developed to predict the effect of missense changes on protein structure and function (PolyPhen-2) suggests that this variant is likely to be disruptive. In summary, the available evidence is currently insufficient to determine the role of this variant in disease. Therefore, it has been classified as a Variant of Uncertain Significance.

NM_001286445.3(RIPOR2):c.3092A>G (p.Asp1031Gly)

Gene: RIPOR2 (RHO family interacting cell polarization regulator 2; minus strand). Cytogenetic location: 6p22.3.
Variant type: single nucleotide variant.
Coding change: c.3092A>G on transcript NM_001286445.3 (MANE Select); coding-DNA position 3092, A replaced by G.
Protein change: p.Asp1031Gly; replaces aspartic acid 1031 with glycine.
Molecular consequence: missense variant.
Genome position (GRCh38, 1-based): chr6:24,806,425, T>C on the plus strand (A>G on the coding strand, the complement: RIPOR2 is on the minus strand). VCF-style: chr6-24806425-T-C. GRCh37 (hg19) VCF-style: chr6-24806653-T-C.
Other names: c.3005A>G, p.Asp1002Gly (NM_001346031.2, NM_001346032.2); c.3155A>G, p.Asp1052Gly (NM_014722.5); short protein forms D1031G, D1052G, D1002G.
Identifiers: ClinVar variation 3433779 (VCV003433779.3).